The following is an entry in ClinVar:

ClinVar aggregate classification (germline): Conflicting classifications of pathogenicity. Review status: criteria provided, conflicting classifications (1 of 4 stars). 7 submissions from 7 submitters: Uncertain significance (1); Benign (1); Likely benign (4). 1 of the submissions does not count toward it. Last evaluated 2025-12-20.

Conditions:
KMT2D-related disorder. Also called: KMT2D-Related Disorders.
Kabuki syndrome. Also called: NIIKAWA-KUROKI SYNDROME; Kabuki make-up syndrome. Identifiers: Orphanet 2322, MedGen C0796004, MONDO:0016512.
Kabuki syndrome 1 (KABUK1). Also called: KMT2D-Related Kabuki Syndrome. Identifiers: Orphanet 2322, MedGen CN030661, MONDO:0007843, OMIM 147920.

Allele frequency attached by ClinVar (database versions not stated): gnomAD exomes 0.00006 and 0.00007; ExAC 0.00007; gnomAD 0.00007 and 0.00009; ESP Exome Variant Server 0.00008; TOPMed 0.00008; 1000 Genomes Project 30x 0.00016; 1000 Genomes Project 0.00020.
gnomAD v4.1: 119 of 1,613,914 alleles (0.0074%); highest among the groups gnomAD compares: Middle Eastern, 0.016%; no homozygotes.

Submissions (7):

Labcorp Genetics (formerly Invitae), Labcorp
Classification: Benign for Kabuki syndrome. Last evaluated: 2025-12-20. Review status: criteria provided, single submitter. Criteria: Invitae Variant Classification Sherloc (09022015). Collection method: clinical testing. Allele origin: germline.

Laboratory of Genetics, Children's Clinical University Hospital Latvia
Classification: Likely benign. Last evaluated: 2025-02-16. Review status: criteria provided, single submitter. Criteria: ACMG Guidelines, 2015. Collection method: clinical testing. Allele origin: germline. Affected: yes.

Blueprint Genetics
Classification: Likely benign. Last evaluated: 2024-10-15. Review status: criteria provided, single submitter. Criteria: ACMG Guidelines, 2015. Collection method: clinical testing. Allele origin: germline.

CeGaT Center for Human Genetics Tuebingen
Classification: Likely benign. Last evaluated: 2023-09-01. Review status: criteria provided, single submitter. Criteria: CeGaT Center For Human Genetics Tuebingen Variant Classification Criteria Version 2. Collection method: clinical testing. Allele origin: germline. Affected: yes. Observed: 2 variant alleles.
Comment: KMT2D: BS2

Revvity Omics, Revvity
Classification: Uncertain significance. Last evaluated: 2020-03-06. Review status: criteria provided, single submitter. Criteria: ACMG Guidelines, 2015. Collection method: clinical testing. Allele origin: germline.

Institute of Human Genetics, University of Leipzig Medical Center
Classification: Likely benign for Kabuki syndrome 1. Last evaluated: 2019-01-01. Review status: criteria provided, single submitter. Criteria: ACMG Guidelines, 2015. Collection method: clinical testing. Allele origin: unknown. Affected: yes.

PreventionGenetics, part of Exact Sciences
Classification: Uncertain significance for KMT2D-related condition. Last evaluated: 2024-07-01. Review status: no assertion criteria provided. Collection method: clinical testing. Allele origin: germline. Not counted in ClinVar's aggregate classification.
Comment: The KMT2D c.859A>G variant is predicted to result in the amino acid substitution p.Lys287Glu. To our knowledge, this variant has not been reported in the literature. This variant is reported in 0.012% of alleles in individuals of European (Non-Finnish) descent in gnomAD. At this time, the clinical significance of this variant is uncertain due to the absence of conclusive functional and genetic evidence.

NM_003482.4(KMT2D):c.859A>G (p.Lys287Glu)

Gene: KMT2D (lysine methyltransferase 2D; minus strand). Cytogenetic location: 12q13.12.
Variant type: single nucleotide variant.
Coding change: c.859A>G on transcript NM_003482.4 (MANE Select); coding-DNA position 859, A replaced by G.
Protein change: p.Lys287Glu; replaces lysine 287 with glutamic acid.
Molecular consequence: missense variant.
Genome position (GRCh38, 1-based): chr12:49,053,302, T>C on the plus strand (A>G on the coding strand, the complement: KMT2D is on the minus strand). VCF-style: chr12-49053302-T-C. GRCh37 (hg19) VCF-style: chr12-49447085-T-C.
Other names: short protein forms K287E.
Identifiers: ClinVar variation 982649 (VCV000982649.38), dbSNP rs375915416, ClinGen allele CA6548633.